The following is an entry in ClinVar:

ClinVar aggregate classification (germline): Likely pathogenic (1 of 4 stars; one submission).

Submission:

Labcorp Genetics (formerly Invitae), Labcorp
Classification: Likely pathogenic. Last evaluated: 2023-09-01. Review status: criteria provided, single submitter. Criteria: Invitae Variant Classification Sherloc (09022015). Collection method: clinical testing. Allele origin: germline.
Comment: In summary, the currently available evidence indicates that the variant is pathogenic, but additional data are needed to prove that conclusively. Therefore, this variant has been classified as Likely Pathogenic. Algorithms developed to predict the effect of sequence changes on RNA splicing suggest that this variant may disrupt the consensus splice site. This variant has not been reported in the literature in individuals affected with POLR3A-related conditions. This variant is not present in population databases (gnomAD no frequency). This sequence change affects a donor splice site in intron 23 of the POLR3A gene. It is expected to disrupt RNA splicing. Variants that disrupt the donor or acceptor splice site typically lead to a loss of protein function (PMID: 16199547), and loss-of-function variants in POLR3A are known to be pathogenic (PMID: 21855841, 25339210, 27612211, 30414627, 30450527).

Literature cited by the submitters: PubMed 16199547; PubMed 21855841; PubMed 25339210; PubMed 27612211; PubMed 30414627; PubMed 30450527.

NM_007055.4(POLR3A):c.3071+2T>G

Gene: POLR3A (RNA polymerase III subunit A; minus strand). Cytogenetic location: 10q22.3.
Variant type: single nucleotide variant.
Coding change: c.3071+2T>G on transcript NM_007055.4 (MANE Select); the canonical splice donor site of the intron after coding-DNA position 3071, T replaced by G.
Molecular consequence: splice donor variant.
Genome position (GRCh38, 1-based): chr10:77,985,901, A>C on the plus strand (T>G on the coding strand, the complement: POLR3A is on the minus strand). VCF-style: chr10-77985901-A-C. GRCh37 (hg19) VCF-style: chr10-79745659-A-C.
Identifiers: ClinVar variation 2757223 (VCV002757223.3), dbSNP rs2493190530, ClinGen allele CA377331506.